The following is an entry in ClinVar:

NM_000256.3(MYBPC3):c.1090+453C>G

Gene: MYBPC3 (myosin binding protein C3; minus strand). Cytogenetic location: 11p11.2.
Variant type: single nucleotide variant.
Coding change: c.1090+453C>G on transcript NM_000256.3 (MANE Select); 453 bases into the intron after coding-DNA position 1090, C replaced by G.
Molecular consequence: intron variant.
Genome position (GRCh38, 1-based): chr11:47,345,754, G>C on the plus strand (C>G on the coding strand, the complement: MYBPC3 is on the minus strand). VCF-style: chr11-47345754-G-C. GRCh37 (hg19) VCF-style: chr11-47367305-G-C.
Identifiers: ClinVar variation 4756192 (VCV004756192.1).

ClinVar aggregate classification (germline): Uncertain significance (1 of 4 stars; one submission).

Conditions:
Cardiomyopathy (CMYO). Also called: Cardiomyopathies. Identifiers: Orphanet 167848, MedGen C0878544, MONDO:0004994, HP:0001638. Inheritance: Various modes of inheritance.

Submission:

Color Diagnostics, LLC DBA Color Health
Classification: Uncertain significance for Cardiomyopathy. Last evaluated: 2025-08-18. Review status: criteria provided, single submitter. Criteria: ACMG Guidelines, 2015. Collection method: clinical testing. Allele origin: germline.
Comment: This variant causes a C to G nucleotide substitution at the +453 position of intron 12 of the MYBPC3 gene. Splicing prediction tools indicate this variant is unlikely to disrupt RNA splicing. To our knowledge, functional studies have not been reported for this variant. This variant has not been reported in individuals affected with MYBPC3-related disorders in the literature. This variant has not been identified in the general population by the Genome Aggregation Database (gnomAD). The available evidence is insufficient to determine the role of this variant in disease conclusively. Therefore, this variant is classified as a Variant of Uncertain Significance.